The following is an entry in ClinVar:

ClinVar aggregate classification (germline): Uncertain significance (1 of 4 stars; one submission).

Allele frequency attached by ClinVar (database versions not stated): TOPMed 0.00003; ExAC 0.00004; gnomAD exomes 0.00004 and 0.00008; gnomAD 0.00006 and 0.00007; 1000 Genomes Project 0.00020; 1000 Genomes Project 30x 0.00031.
gnomAD v4.1: 68 of 1,605,392 alleles (0.0042%); highest among the groups gnomAD compares: African/African-American, 0.0067%; no homozygotes.

Submission:

Labcorp Genetics (formerly Invitae), Labcorp
Classification: Uncertain significance. Last evaluated: 2021-09-22. Review status: criteria provided, single submitter. Criteria: Invitae Variant Classification Sherloc (09022015). Collection method: clinical testing. Allele origin: germline.
Comment: This sequence change replaces arginine with cysteine at codon 64 of the GNRH1 protein (p.Arg64Cys). The arginine residue is weakly conserved and there is a large physicochemical difference between arginine and cysteine. This variant is present in population databases (rs574867408, ExAC 0.02%). This variant has not been reported in the literature in individuals affected with GNRH1-related conditions. Algorithms developed to predict the effect of missense changes on protein structure and function are either unavailable or do not agree on the potential impact of this missense change (SIFT: "Deleterious"; PolyPhen-2: "Not Available"; Align-GVGD: "Class C15"). In summary, the available evidence is currently insufficient to determine the role of this variant in disease. Therefore, it has been classified as a Variant of Uncertain Significance.

NM_001083111.2(GNRH1):c.178C>T (p.Arg60Cys)

Gene: GNRH1 (gonadotropin releasing hormone 1; minus strand). Cytogenetic location: 8p21.2.
Variant type: single nucleotide variant.
Coding change: c.178C>T on transcript NM_001083111.2 (MANE Select); coding-DNA position 178, C replaced by T.
Protein change: p.Arg60Cys; replaces arginine 60 with cysteine.
Molecular consequence: missense variant.
Genome position (GRCh38, 1-based): chr8:25,421,632, G>A on the plus strand (C>T on the coding strand, the complement: GNRH1 is on the minus strand). VCF-style: chr8-25421632-G-A. GRCh37 (hg19) VCF-style: chr8-25279148-G-A.
Other names: c.190C>T, p.Arg64Cys (NM_000825.3); short protein forms R64C, R60C.
Identifiers: ClinVar variation 1378659 (VCV001378659.6), dbSNP rs574867408, ClinGen allele CA4683638.